The following is an entry in ClinVar:

ClinVar aggregate classification (germline): Uncertain significance (1 of 4 stars; one submission).

Conditions:
Spondyloepimetaphyseal dysplasia, Genevieve type. Also called: SEMD Genevieve type; NANS DEFICIENCY. Identifiers: Orphanet 168454, MedGen C1864872, MONDO:0012495, OMIM 610442.

Submission:

3billion
Classification: Uncertain significance for Spondyloepimetaphyseal dysplasia, Genevieve type. Review status: criteria provided, single submitter. Criteria: ACMG Guidelines, 2015. Collection method: clinical testing. Allele origin: unknown. Affected: yes. Observed: 1 heterozygote.
Comment: The variant is not observed in the gnomAD v2.1.1 dataset. Missense changes are a common disease-causing mechanism. In silico tool predictions suggest no damaging effect of the variant on gene or gene product (REVEL: 0.28; 3Cnet: 0.02). The variant is in trans with the other variant. Therefore, this variant is classified as Uncertain significance according to the recommendation of ACMG/AMP guideline.

NM_018946.4(NANS):c.668T>C (p.Ile223Thr)

Genes: NANS (N-acetylneuraminate synthase; plus strand), TRIM14 (tripartite motif containing 14; minus strand). Cytogenetic location: 9q22.33.
Variant type: single nucleotide variant.
Coding change: c.668T>C on transcript NM_018946.4 (MANE Select); coding-DNA position 668, T replaced by C.
Protein change: p.Ile223Thr; replaces isoleucine 223 with threonine.
Molecular consequence: missense variant.
Genome position (GRCh38, 1-based): chr9:98,080,880, T>C. VCF-style: chr9-98080880-T-C. GRCh37 (hg19) VCF-style: chr9-100843162-T-C.
Other names: short protein forms I223T.
Identifiers: ClinVar variation 2572591 (VCV002572591.1), dbSNP rs1587931148, ClinGen allele CA374200988.
Genomic context (GRCh38, chr9:98,080,880, plus strand): 5'-ATCAGAAGCTCTTTCCTGACATTCCCATAGGGTATTCTGGGCATGAAACAGGCATAGCGA[T>C]ATCTGTGGCCGCAGTGGCTCTGGGGGCCAAGGTGTTGGAACGTCACATAACTTTGGACAA-3'
Protein context (NP_061819.2, residues 213-233): GYSGHETGIA[Ile223Thr]SVAAVALGAK